The following is an entry in ClinVar:

ClinVar aggregate classification (germline): Uncertain significance (1 of 4 stars; one submission).

Submission:

CeGaT Center for Human Genetics Tuebingen
Classification: Uncertain significance. Last evaluated: 2026-01-01. Review status: criteria provided, single submitter. Criteria: CeGaT Center For Human Genetics Tuebingen Variant Classification Criteria Version 2. Collection method: clinical testing. Allele origin: germline. Affected: yes. Observed: 1 variant allele.
Comment: MYO15A: PM2, BP4

NM_016239.4(MYO15A):c.7893+8G>A

Gene: MYO15A (myosin XVA; plus strand). Cytogenetic location: 17p11.2.
Variant type: single nucleotide variant.
Coding change: c.7893+8G>A on transcript NM_016239.4 (MANE Select); 8 bases into the intron after coding-DNA position 7893, G replaced by A.
Molecular consequence: intron variant.
Genome position (GRCh38, 1-based): chr17:18,151,959, G>A. VCF-style: chr17-18151959-G-A. GRCh37 (hg19) VCF-style: chr17-18055273-G-A.
Identifiers: ClinVar variation 4822848 (VCV004822848.4).
Genomic context (GRCh38, chr17:18,151,959, plus strand): 5'-TGATGATCCTGAAAGGGCAGATGACCCACCTGGCAGCTGCACCTGGCACCCAGGTGAGGG[G>A]GGAAGGTGGGGCTGAGCCCAGGTGGAACAGAAGACAAAGAGGGGCCTCAGGGATCCTCAG-3'